The following is an entry in ClinVar:

ClinVar aggregate classification (germline): Conflicting classifications of pathogenicity. Review status: criteria provided, conflicting classifications (1 of 4 stars). 13 submissions from 12 submitters: Uncertain significance (2); Benign (2); Likely benign (7). 2 of the submissions do not count toward it. Last evaluated 2025-12-22.

Conditions:
Hereditary nonpolyposis colorectal neoplasms. Identifiers: MedGen C0009405, MeSH D003123.
Hereditary cancer-predisposing syndrome. Also called: Hereditary neoplastic syndrome; Tumor predisposition; Hereditary Cancer Syndrome; Neoplastic Syndromes, Hereditary. Identifiers: Orphanet 140162, MedGen C0027672, MeSH D009386, MONDO:0015356.
Lynch syndrome. Identifiers: Orphanet 144, MedGen C4552100, MONDO:0005835. Disease mechanism: loss of function.
Lynch syndrome 5 (LYNCH5). Also called: Colorectal cancer, hereditary nonpolyposis, type 5; Hereditary non-polyposis colorectal cancer, type 5. Identifiers: Orphanet 144, MedGen C1833477, MONDO:0013710, OMIM 614350. Disease mechanism: loss of function.

Allele frequency attached by ClinVar (database versions not stated): gnomAD 0.00003; gnomAD exomes 0.00003 and 0.00005; TOPMed 0.00004.
gnomAD v4.1: 40 of 1,443,500 alleles (0.0028%); highest among the groups gnomAD compares: Admixed American, 0.0087%; no homozygotes.

Submissions (13):

Labcorp Genetics (formerly Invitae), Labcorp
Classification: Likely benign for Hereditary nonpolyposis colorectal neoplasms. Last evaluated: 2025-12-22. Review status: criteria provided, single submitter. Criteria: Invitae Variant Classification Sherloc (09022015). Collection method: clinical testing. Allele origin: germline.

All of Us Research Program, National Institutes of Health
Classification: Likely benign for Lynch syndrome. Last evaluated: 2023-11-20. Review status: criteria provided, single submitter. Criteria: ACMG Guidelines, 2015. Collection method: clinical testing. Allele origin: germline. Inheritance: Autosomal dominant inheritance. Observed: 5 variant alleles, 5 heterozygotes.
Comment: This study involves interpretation of variants in research participants for the purpose of population health screening. Participant phenotype was not available at the time of variant classification. Additional details can be found in publication PMID: 35346344, PMCID: PMC8962531

Quest Diagnostics Nichols Institute San Juan Capistrano
Classification: Likely benign. Last evaluated: 2023-06-07. Review status: criteria provided, single submitter. Criteria: Quest Diagnostics criteria. Collection method: clinical testing. Allele origin: unknown.

Myriad Genetics, Inc.
Classification: Benign for Lynch syndrome 5. Last evaluated: 2023-03-28. Review status: criteria provided, single submitter. Criteria: Myriad Autosomal Dominant, Autosomal Recessive and X-Linked Classification Criteria (2023). Collection method: clinical testing. Allele origin: unknown.
Comment: This variant is considered benign. This variant is a silent/synonymous amino acid change and it is not expected to impact splicing.

Women's Health and Genetics/Laboratory Corporation of America, LabCorp
Classification: Likely benign. Last evaluated: 2019-08-29. Review status: criteria provided, single submitter. Criteria: LabCorp Variant Classification Summary - May 2015. Collection method: clinical testing. Allele origin: germline.

Department of Pathology and Laboratory Medicine, Sinai Health System
Classification: Uncertain significance for Lynch syndrome 5. Last evaluated: 2019-04-01. Review status: criteria provided, single submitter. Criteria: ACMG Guidelines, 2015. Collection method: research. Allele origin: germline.

PreventionGenetics, part of Exact Sciences
Classification: Likely benign. Last evaluated: 2018-01-17. Review status: criteria provided, single submitter. Criteria: ACMG Guidelines, 2015. Collection method: clinical testing. Allele origin: germline.

Illumina Laboratory Services, Illumina
Classification: Uncertain significance for Lynch syndrome 5. Last evaluated: 2018-01-12. Review status: criteria provided, single submitter. Criteria: ICSL Variant Classification Criteria 13 December 2019. Collection method: clinical testing. Allele origin: germline.

Color Diagnostics, LLC DBA Color Health
Classification: Likely benign for Hereditary cancer-predisposing syndrome. Last evaluated: 2016-02-24. Review status: criteria provided, single submitter. Criteria: ACMG Guidelines, 2015. Collection method: clinical testing. Allele origin: germline.

Ambry Genetics
Classification: Likely benign for Hereditary cancer-predisposing syndrome. Last evaluated: 2015-06-12. Review status: criteria provided, single submitter. Criteria: Ambry Variant Classification Scheme 2023. Collection method: clinical testing. Allele origin: germline.

GeneDx
Classification: Benign. Last evaluated: 2015-03-03. Review status: criteria provided, single submitter. Criteria: GeneDx Variant Classification Process June 2021. Collection method: clinical testing. Allele origin: germline. Affected: yes.

Counsyl
Classification: Likely benign for Lynch syndrome 5. Last evaluated: 2016-09-19. Review status: no assertion criteria provided. Collection method: clinical testing. Allele origin: unknown. Not counted in ClinVar's aggregate classification.

Department of Pathology and Laboratory Medicine, Sinai Health System
Classification: Uncertain significance for Lynch syndrome. Review status: no assertion criteria provided. Collection method: clinical testing. Allele origin: unknown. Affected: yes. Observed: 1 variant allele. Study: The Canadian Open Genetics Repository (COGR). Not counted in ClinVar's aggregate classification.
Comment: The MSH6 p.Val80= variant was not identified in the literature nor was it identified in COGR, Cosmic, MutDB, UMD-LSDB, Zhejiang Colon Cancer Database, Mismatch Repair Genes Variant Database, and Insight Hereditary Tumors Database. The variant was identified in dbSNP (ID: rs864622281) as â€šÃ„ÃºWith Likely benign alleleâ€šÃ„Ã¹, in ClinVar (classified likely benign by Invitae, Counsyl and Ambry Genetics and uncertain significance by Laboratory Corporation of America), Clinvitae (2x) and the Genome Aggregation Database (Feb 27, 2017) in 2 of 30730 control chromosomes (frequency: 0.00007). It was observed in the following populations: African in 1 of 8664 chromosomes (frequency: 0.0001) and European Non-Finnish in 1 of 14844 chromosomes (frequency: 0.00007), but not in the Other, Latino, Ashkenazi Jewish, East Asian, Finnish and South Asian populations. The p.Val80= variant is not expected to have clinical significance because it does not result in a change of amino acid. The variant occurs outside of the splicing consensus sequence and 3 of 5 in silico or computational prediction software programs (SpliceSiteFinder, MaxEntScan, NNSPLICE, GeneSplicer, HumanSpliceFinder) predict a greater than 10% difference in splicing. However, this information is not predictive enough to assume pathogenicity. This variant is classified as a variant of uncertain significance.

NM_000179.3(MSH6):c.240A>G (p.Val80=)

Gene: MSH6 (mutS homolog 6; plus strand). Cytogenetic location: 2p16.3.
Variant type: single nucleotide variant.
Coding change: c.240A>G on transcript NM_000179.3 (MANE Select); coding-DNA position 240, A replaced by G.
Protein change: p.Val80=; no amino-acid change (valine 80 retained).
Molecular consequence: synonymous variant. On other transcripts: 5 prime UTR variant (1), intron variant (1).
Genome position (GRCh38, 1-based): chr2:47,783,473, A>G. VCF-style: chr2-47783473-A-G. GRCh37 (hg19) VCF-style: chr2-48010612-A-G.
Other names: c.-497A>G (NM_001281493.2); c.237+3A>G (NM_001281492.2).
Identifiers: ClinVar variation 219856 (VCV000219856.35), dbSNP rs864622281, ClinGen allele CA348418.
Genomic context (GRCh38, chr2:47,783,473, plus strand): 5'-GGCGCGCTCCGCGTCACCGCCCAAGGCGAAGAACCTCAACGGAGGGCTGCGGAGATCGGT[A>G]GCGCCTGCTGCCCCCACCAGGTAGCGGGGTGGGGGTGGGGTCGAAGGCGGGGGCATAGCG-3'
Protein context (NP_000170.1, residues 70-90): KNLNGGLRRS[Val80=]APAAPTSCDF